The following is an entry in ClinVar:

ClinVar aggregate classification (germline): Likely pathogenic. Review status: criteria provided, multiple submitters, no conflicts (2 of 4 stars). 4 submissions from 4 submitters: Likely pathogenic (4). Last evaluated 2025-04-19.

Conditions:
Familial cancer of breast. Also called: Hereditary breast cancer; hereditary breast carcinoma; BREAST CANCER, FAMILIAL. Identifiers: Orphanet 227535, MedGen C0346153, MONDO:0016419, OMIM 114480. Disease mechanism: loss of function.
Hereditary cancer-predisposing syndrome. Also called: Hereditary neoplastic syndrome; Tumor predisposition; Hereditary Cancer Syndrome; Neoplastic Syndromes, Hereditary. Identifiers: Orphanet 140162, MedGen C0027672, MeSH D009386, MONDO:0015356.

Submissions (4):

Ambry Genetics
Classification: Likely pathogenic for Hereditary cancer-predisposing syndrome. Last evaluated: 2025-04-19. Review status: criteria provided, single submitter. Criteria: Ambry Variant Classification Scheme 2023. Collection method: clinical testing. Allele origin: germline.
Comment: The c.1461+1G>T intronic variant results from a G to T substitution one nucleotide after coding exon 12 of the CHEK2 gene. This variant is considered to be rare based on population cohorts in the Genome Aggregation Database (gnomAD). This nucleotide position is highly conserved in available vertebrate species. In silico splice site analysis predicts that this alteration will weaken the native splice donor site. Alterations that disrupt the canonical splice site are expected to cause aberrant splicing, resulting in an abnormal protein or a transcript that is subject to nonsense-mediated mRNA decay. As such, this alteration is classified as likely pathogenic.

Myriad Genetics, Inc.
Classification: Likely pathogenic for Familial cancer of breast. Last evaluated: 2023-06-28. Review status: criteria provided, single submitter. Criteria: Myriad Autosomal Dominant, Autosomal Recessive and X-Linked Classification Criteria (2023). Collection method: clinical testing. Allele origin: unknown.
Comment: This variant is considered likely pathogenic. This variant occurs within a consensus splice junction and is predicted to result in abnormal mRNA splicing of either an out-of-frame exon or an in-frame exon necessary for protein stability and/or normal function.

Labcorp Genetics (formerly Invitae), Labcorp
Classification: Likely pathogenic for Familial cancer of breast. Last evaluated: 2023-04-17. Review status: criteria provided, single submitter. Criteria: Invitae Variant Classification Sherloc (09022015). Collection method: clinical testing. Allele origin: germline.
Comment: In summary, the currently available evidence indicates that the variant is pathogenic, but additional data are needed to prove that conclusively. Therefore, this variant has been classified as Likely Pathogenic. Studies have shown that disruption of this splice site results in skipping of exon 13 and introduces a premature termination codon (Invitae). The resulting mRNA is expected to undergo nonsense-mediated decay. ClinVar contains an entry for this variant (Variation ID: 491599). This variant has not been reported in the literature in individuals affected with CHEK2-related conditions. This variant is not present in population databases (gnomAD no frequency). This sequence change affects a donor splice site in intron 13 of the CHEK2 gene. RNA analysis indicates that disruption of this splice site induces altered splicing and may result in an absent or disrupted protein product.

Color Diagnostics, LLC DBA Color Health
Classification: Likely pathogenic for Hereditary cancer-predisposing syndrome. Last evaluated: 2020-09-23. Review status: criteria provided, single submitter. Criteria: ACMG Guidelines, 2015. Collection method: clinical testing. Allele origin: germline.
Comment: This variant causes a G to T nucleotide substitution at the +1 position of intron 13 of the CHEK2 gene. Splice site prediction tools predict that this variant may have a significant impact on RNA splicing. To our knowledge, functional studies have not been reported for this variant. This variant has not been reported in individuals affected with hereditary cancer in the literature. This variant has not been identified in the general population by the Genome Aggregation Database (gnomAD). Loss of CHEK2 function is a known mechanism of disease. Based on the available evidence, this variant is classified as Likely Pathogenic.

NM_007194.4(CHEK2):c.1461+1G>T

Gene: CHEK2 (checkpoint kinase 2; minus strand). Cytogenetic location: 22q12.1.
Variant type: single nucleotide variant.
Coding change: c.1461+1G>T on transcript NM_007194.4 (MANE Select); the canonical splice donor site of the intron after coding-DNA position 1461, G replaced by T.
Molecular consequence: splice donor variant.
Genome position (GRCh38, 1-based): chr22:28,694,031, C>A on the plus strand (G>T on the coding strand, the complement: CHEK2 is on the minus strand). VCF-style: chr22-28694031-C-A. GRCh37 (hg19) VCF-style: chr22-29090019-C-A.
Other names: c.798+1G>T (NM_001437942.1, NM_001257387.3); c.1260+1G>T (NM_001349956.3); c.1374+1G>T (NM_145862.3); c.1467+1G>T (NM_001438295.1); c.1554+1G>T (NM_001438293.1); c.1503+1G>T (NM_001438294.1); c.1590+1G>T (NM_001005735.3).
Identifiers: ClinVar variation 491599 (VCV000491599.20), dbSNP rs886039629, ClinGen allele CA411093852.